The following is an entry in ClinVar:

ClinVar aggregate classification (germline): Benign/Likely benign. Review status: criteria provided, multiple submitters, no conflicts (2 of 4 stars). 2 submissions from 2 submitters: Benign (1); Likely benign (1). Last evaluated 2026-02-01.

Allele frequency attached by ClinVar (database versions not stated): ESP Exome Variant Server 0.00008; gnomAD 0.00013; TOPMed 0.00031; ExAC 0.00038; gnomAD exomes 0.00038.

Submissions (2):

CeGaT Center for Human Genetics Tuebingen
Classification: Likely benign. Last evaluated: 2026-02-01. Review status: criteria provided, single submitter. Criteria: CeGaT Center For Human Genetics Tuebingen Variant Classification Criteria Version 2. Collection method: clinical testing. Allele origin: germline. Affected: yes. Observed: 2 variant alleles.
Comment: ASXL2: BP4, BP7

Labcorp Genetics (formerly Invitae), Labcorp
Classification: Benign. Last evaluated: 2025-03-03. Review status: criteria provided, single submitter. Criteria: Invitae Variant Classification Sherloc (09022015). Collection method: clinical testing. Allele origin: germline.

NM_018263.6(ASXL2):c.3909C>T (p.His1303=)

Gene: ASXL2 (ASXL transcriptional regulator 2; minus strand). Cytogenetic location: 2p23.3.
Variant type: single nucleotide variant.
Coding change: c.3909C>T on transcript NM_018263.6 (MANE Select); coding-DNA position 3909, C replaced by T.
Protein change: p.His1303=; no amino-acid change (histidine 1303 retained).
Molecular consequence: synonymous variant.
Genome position (GRCh38, 1-based): chr2:25,742,428, G>A on the plus strand (C>T on the coding strand, the complement: ASXL2 is on the minus strand). VCF-style: chr2-25742428-G-A. GRCh37 (hg19) VCF-style: chr2-25965297-G-A.
Other names: c.3735C>T, p.His1245= (NM_001369346.1); c.3129C>T, p.His1043= (NM_001369347.1).
Identifiers: ClinVar variation 728705 (VCV000728705.32), dbSNP rs370518430, ClinGen allele CA1557399.